The following is an entry in ClinVar:

NM_003482.4(KMT2D):c.13551_13565del (p.Leu4518_Pro4522del)

Gene: KMT2D (lysine methyltransferase 2D; minus strand). Cytogenetic location: 12q13.12.
Variant type: Deletion.
Coding change: c.13551_13565del on transcript NM_003482.4 (MANE Select); coding-DNA positions 13551 to 13565, 15 bases deleted (TTTGACACCGAAGCC).
Protein change: p.Leu4518_Pro4522del.
Molecular consequence: inframe deletion.
Genome position (GRCh38, 1-based): chr12:49,030,999-49,031,013, GGCTTCGGTGTCAAA deleted on the plus strand (TTTGACACCGAAGCC on the coding strand, the reverse complement: KMT2D is on the minus strand); deleting any 15 consecutive bases within chr12:49,030,999-49,031,019 gives the same sequence; the c. name uses the placement nearest the transcript's 3' end. VCF-style (leftmost placement, unchanged base first): chr12-49030998-GGGCTTCGGTGTCAAA-G. GRCh37 (hg19) VCF-style: chr12-49424781-GGGCTTCGGTGTCAAA-G.
Identifiers: ClinVar variation 2776783 (VCV002776783.3), dbSNP rs2498348061, ClinGen allele CA2739271971.

ClinVar aggregate classification (germline): Uncertain significance (1 of 4 stars; one submission).

Conditions:
Kabuki syndrome. Also called: NIIKAWA-KUROKI SYNDROME; Kabuki make-up syndrome. Identifiers: Orphanet 2322, MedGen C0796004, MONDO:0016512.

Submission:

Labcorp Genetics (formerly Invitae), Labcorp
Classification: Uncertain significance for Kabuki syndrome. Last evaluated: 2023-08-14. Review status: criteria provided, single submitter. Criteria: Invitae Variant Classification Sherloc (09022015). Collection method: clinical testing. Allele origin: germline.
Comment: In summary, the available evidence is currently insufficient to determine the role of this variant in disease. Therefore, it has been classified as a Variant of Uncertain Significance. This variant, c.13551_13565del, results in the deletion of 5 amino acid(s) of the KMT2D protein (p.Leu4518_Pro4522del), but otherwise preserves the integrity of the reading frame. This variant is not present in population databases (gnomAD no frequency). This variant has not been reported in the literature in individuals affected with KMT2D-related conditions. Experimental studies and prediction algorithms are not available or were not evaluated, and the functional significance of this variant is currently unknown.